The following is an entry in ClinVar:

ClinVar aggregate classification (germline): Conflicting classifications of pathogenicity. Review status: criteria provided, conflicting classifications (1 of 4 stars). 2 submissions from 2 submitters: Uncertain significance (1); Likely benign (1). Last evaluated 2024-05-30.

Conditions:
Papillon-Lefèvre syndrome (PALS). Also called: KERATOSIS PALMOPLANTARIS WITH PERIODONTOPATHIA; Papillon-Lefevre Disease. Identifiers: Orphanet 678, MedGen C0030360, MONDO:0009490, OMIM 245000.
Haim-Munk syndrome (HMS). Also called: COCHIN JEWISH DISORDER; KERATOSIS PALMOPLANTARIS WITH PERIODONTOPATHIA AND ONYCHOGRYPOSIS. Identifiers: Orphanet 2342, MedGen C1855627, MONDO:0009491, OMIM 245010.
Periodontitis, aggressive. Identifiers: MedGen C0031106, MONDO:0980757.
Inborn genetic diseases. Identifiers: MedGen C0950123, MeSH D030342.

Allele frequency attached by ClinVar (database versions not stated): TOPMed 0.00009; ExAC 0.00010; gnomAD exomes 0.00003; gnomAD 0.00001; ESP Exome Variant Server 0.00008.
gnomAD v4.1: 47 of 1,613,678 alleles (0.0029%); highest among the groups gnomAD compares: Admixed American, 0.047%; no homozygotes.

Submissions (2):

Ambry Genetics
Classification: Likely benign for Inborn genetic diseases. Last evaluated: 2024-05-30. Review status: criteria provided, single submitter. Criteria: Ambry Variant Classification Scheme 2023. Collection method: clinical testing. Allele origin: germline.

Labcorp Genetics (formerly Invitae), Labcorp
Classification: Uncertain significance for Haim-Munk syndrome; Periodontitis, aggressive; Papillon-Lefèvre syndrome. Last evaluated: 2022-08-19. Review status: criteria provided, single submitter. Criteria: Invitae Variant Classification Sherloc (09022015). Collection method: clinical testing. Allele origin: germline.
Comment: This sequence change replaces arginine, which is basic and polar, with glutamine, which is neutral and polar, at codon 210 of the CTSC protein (p.Arg210Gln). This variant is present in population databases (rs370862961, gnomAD 0.07%). This variant has not been reported in the literature in individuals affected with CTSC-related conditions. ClinVar contains an entry for this variant (Variation ID: 1060707). Algorithms developed to predict the effect of missense changes on protein structure and function output the following: SIFT: "Not Available"; PolyPhen-2: "Benign"; Align-GVGD: "Not Available". The glutamine amino acid residue is found in multiple mammalian species, which suggests that this missense change does not adversely affect protein function. In summary, the available evidence is currently insufficient to determine the role of this variant in disease. Therefore, it has been classified as a Variant of Uncertain Significance.

NM_001814.6(CTSC):c.629G>A (p.Arg210Gln)

Gene: CTSC (cathepsin C; minus strand). Cytogenetic location: 11q14.2.
Variant type: single nucleotide variant.
Coding change: c.629G>A on transcript NM_001814.6 (MANE Select); coding-DNA position 629, G replaced by A.
Protein change: p.Arg210Gln; replaces arginine 210 with glutamine.
Molecular consequence: missense variant.
Genome position (GRCh38, 1-based): chr11:88,309,175, C>T on the plus strand (G>A on the coding strand, the complement: CTSC is on the minus strand). VCF-style: chr11-88309175-C-T. GRCh37 (hg19) VCF-style: chr11-88042343-C-T.
Other names: c.629G>A (NM_001814.4); short protein forms R210Q.
Identifiers: ClinVar variation 1060707 (VCV001060707.3), dbSNP rs370862961, ClinGen allele CA6219912.